The following is an entry in ClinVar:

NM_006947.4(SRP72):c.1026A>T (p.Leu342Phe)

Gene: SRP72 (signal recognition particle 72; plus strand). Cytogenetic location: 4q12.
Variant type: single nucleotide variant.
Coding change: c.1026A>T on transcript NM_006947.4 (MANE Select); coding-DNA position 1026, A replaced by T.
Protein change: p.Leu342Phe; replaces leucine 342 with phenylalanine.
Molecular consequence: missense variant. On other transcripts: non-coding transcript variant (1).
Genome position (GRCh38, 1-based): chr4:56,484,804, A>T. VCF-style: chr4-56484804-A-T. GRCh37 (hg19) VCF-style: chr4-57350970-A-T.
Other names: c.843A>T, p.Leu281Phe (NM_001267722.2); short protein forms L281F, L342F.
Identifiers: ClinVar variation 3962082 (VCV003962082.1).
Genomic context (GRCh38, chr4:56,484,804, plus strand): 5'-ATGCCGCAAAATATCTGCCAGTTTACAGTCCCAAAGTCCCGAGCATCTCTTACCTGTGTT[A>T]ATCCAAGCTGCCCAGCTCTGCCGTGAAAAGCAGCACACAAAAGCAATAGAGCTGCTTCAG-3'
Protein context (NP_008878.3, residues 332-352): SQSPEHLLPV[Leu342Phe]IQAAQLCREK

ClinVar aggregate classification (germline): Uncertain significance (1 of 4 stars; one submission).

Submission:

Ambry Genetics
Classification: Uncertain significance. Last evaluated: 2025-04-24. Review status: criteria provided, single submitter. Criteria: Ambry Variant Classification Scheme 2023. Collection method: clinical testing. Allele origin: germline.
Comment: The p.L342F variant (also known as c.1026A>T), located in coding exon 10 of the SRP72 gene, results from an A to T substitution at nucleotide position 1026. The leucine at codon 342 is replaced by phenylalanine, an amino acid with highly similar properties. This amino acid position is conserved. In addition, the in silico prediction for this alteration is inconclusive. Based on the available evidence, the clinical significance of this variant remains unclear.